The following is an entry in ClinVar:

ClinVar aggregate classification (germline): Uncertain significance. Review status: criteria provided, multiple submitters, no conflicts (2 of 4 stars). 2 submissions from 2 submitters: Uncertain significance (2). Last evaluated 2022-08-28.

Allele frequency attached by ClinVar (database versions not stated): gnomAD exomes below 0.00001.
gnomAD v4.1: 1 of 1,612,356 alleles (0.000062%); highest among the groups gnomAD compares: Non-Finnish European, 0.000085%; no homozygotes.

Submissions (2):

Labcorp Genetics (formerly Invitae), Labcorp
Classification: Uncertain significance. Last evaluated: 2022-08-28. Review status: criteria provided, single submitter. Criteria: Invitae Variant Classification Sherloc (09022015). Collection method: clinical testing. Allele origin: germline.
Comment: In summary, the available evidence is currently insufficient to determine the role of this variant in disease. Therefore, it has been classified as a Variant of Uncertain Significance. Algorithms developed to predict the effect of missense changes on protein structure and function are either unavailable or do not agree on the potential impact of this missense change (SIFT: "Tolerated"; PolyPhen-2: "Probably Damaging"; Align-GVGD: "Class C0"). ClinVar contains an entry for this variant (Variation ID: 871925). This variant has not been reported in the literature in individuals affected with SETD5-related conditions. This variant is not present in population databases (gnomAD no frequency). This sequence change replaces lysine, which is basic and polar, with glutamic acid, which is acidic and polar, at codon 919 of the SETD5 protein (p.Lys919Glu).

CeGaT Center for Human Genetics Tuebingen
Classification: Uncertain significance. Last evaluated: 2019-09-01. Review status: criteria provided, single submitter. Criteria: CeGaT Center For Human Genetics Tuebingen Variant Classification Criteria Version 2. Collection method: clinical testing. Allele origin: germline. Affected: yes. Observed: 2 variant alleles.

NM_001080517.3(SETD5):c.2755A>G (p.Lys919Glu)

Gene: SETD5 (SET domain containing 5; plus strand). Cytogenetic location: 3p25.3.
Variant type: single nucleotide variant.
Coding change: c.2755A>G on transcript NM_001080517.3 (MANE Select); coding-DNA position 2755, A replaced by G.
Protein change: p.Lys919Glu; replaces lysine 919 with glutamic acid.
Molecular consequence: missense variant.
Genome position (GRCh38, 1-based): chr3:9,470,489, A>G. VCF-style: chr3-9470489-A-G. GRCh37 (hg19) VCF-style: chr3-9512173-A-G.
Other names: c.2461A>G, p.Lys821Glu (NM_001292043.2, NM_001349451.2); short protein forms K919E, K821E.
Identifiers: ClinVar variation 871925 (VCV000871925.46), dbSNP rs2045180503, ClinGen allele CA351680022.